The following is an entry in ClinVar:

NM_005869.4(CWC27):c.1209G>T (p.Thr403=)

Gene: CWC27 (CWC27 spliceosome associated cyclophilin; plus strand). Cytogenetic location: 5q12.3.
Variant type: single nucleotide variant.
Coding change: c.1209G>T on transcript NM_005869.4 (MANE Select); coding-DNA position 1209, G replaced by T.
Protein change: p.Thr403=; no amino-acid change (threonine 403 retained).
Molecular consequence: synonymous variant. On other transcripts: intron variant (1).
Genome position (GRCh38, 1-based): chr5:64,977,191, G>T. VCF-style: chr5-64977191-G-T. GRCh37 (hg19) VCF-style: chr5-64273018-G-T.
Other names: c.1152+5379G>T (NM_001297644.1); c.1209G>T (NM_005869.3).
Identifiers: ClinVar variation 1167487 (VCV001167487.12), dbSNP rs1309581, ClinGen allele CA3282258.

ClinVar aggregate classification (germline): Benign/Likely benign. Review status: criteria provided, multiple submitters, no conflicts (2 of 4 stars). 3 submissions from 3 submitters: Benign (1); Likely benign (1). 1 of the submissions does not count toward it. Last evaluated 2026-01-26.

Conditions:
CWC27-related disorder. Also called: CWC27-related condition.

Allele frequency attached by ClinVar (database versions not stated): 1000 Genomes Project 30x 0.00109; 1000 Genomes Project 0.00120.
gnomAD v4.1: 348 of 1,611,546 alleles (0.022%); highest among the groups gnomAD compares: African/African-American, 0.42%; 1 homozygote.

Submissions (3):

Labcorp Genetics (formerly Invitae), Labcorp
Classification: Benign. Last evaluated: 2026-01-26. Review status: criteria provided, single submitter. Criteria: Invitae Variant Classification Sherloc (09022015). Collection method: clinical testing. Allele origin: germline.

Blueprint Genetics
Classification: Likely benign. Last evaluated: 2024-05-27. Review status: criteria provided, single submitter. Criteria: ACMG Guidelines, 2015. Collection method: clinical testing. Allele origin: germline.

PreventionGenetics, part of Exact Sciences
Classification: Likely benign for CWC27-related condition. Last evaluated: 2019-08-21. Review status: no assertion criteria provided. Collection method: clinical testing. Allele origin: germline. Not counted in ClinVar's aggregate classification.
Comment: This variant is classified as likely benign based on ACMG/AMP sequence variant interpretation guidelines (Richards et al. 2015 PMID: 25741868, with internal and published modifications).